The following is an entry in ClinVar:

NM_001267550.2(TTN):c.104712A>T (p.Arg34904Ser)

Genes: TTN (titin; minus strand), TTN-AS1 (TTN antisense RNA 1; plus strand). Cytogenetic location: 2q31.2.
Variant type: single nucleotide variant.
Coding change: c.104712A>T on transcript NM_001267550.2 (MANE Select); coding-DNA position 104712, A replaced by T.
Protein change: p.Arg34904Ser; replaces arginine 34904 with serine.
Molecular consequence: missense variant.
Genome position (GRCh38, 1-based): chr2:178,531,903, T>A on the plus strand (A>T on the coding strand, the complement: TTN is on the minus strand). VCF-style: chr2-178531903-T-A. GRCh37 (hg19) VCF-style: chr2-179396630-T-A.
Other names: c.99789A>T, p.Arg33263Ser (NM_001256850.1); c.77517A>T, p.Arg25839Ser (NM_003319.4); c.97008A>T, p.Arg32336Ser (NM_133378.4); c.77892A>T, p.Arg25964Ser (NM_133432.3); c.78093A>T, p.Arg26031Ser (NM_133437.4); short protein forms R34904S, R25839S, R26031S, R32336S, R33263S, R25964S.
Identifiers: ClinVar variation 2054713 (VCV002054713.4), dbSNP rs2468428499, ClinGen allele CA349411092.

ClinVar aggregate classification (germline): Uncertain significance (1 of 4 stars; one submission).

Conditions:
Dilated cardiomyopathy 1G (CMD1G). Identifiers: Orphanet 154, MedGen C1858763, MONDO:0011400, OMIM 604145.
Autosomal recessive limb-girdle muscular dystrophy type 2J (LGMDR10). Also called: Limb-girdle muscular dystrophy, type 2J; MUSCULAR DYSTROPHY, LIMB-GIRDLE, AUTOSOMAL RECESSIVE 10. Identifiers: Orphanet 140922, MedGen C1837342, MONDO:0012127, OMIM 608807.

Submission:

Labcorp Genetics (formerly Invitae), Labcorp
Classification: Uncertain significance for Dilated cardiomyopathy 1G; Autosomal recessive limb-girdle muscular dystrophy type 2J. Last evaluated: 2024-10-07. Review status: criteria provided, single submitter. Criteria: Invitae Variant Classification Sherloc (09022015). Collection method: clinical testing. Allele origin: germline.
Comment: This sequence change replaces arginine, which is basic and polar, with serine, which is neutral and polar, at codon 34904 of the TTN protein (p.Arg34904Ser). This variant is not present in population databases (gnomAD no frequency). This variant has not been reported in the literature in individuals affected with TTN-related conditions. ClinVar contains an entry for this variant (Variation ID: 2054713). Experimental studies and prediction algorithms are not available or were not evaluated, and the functional significance of this variant is currently unknown. This variant is located in the M band of TTN (PMID: 25589632). Non-truncating variants in this region may be relevant for neuromuscular disorders, but have not been definitively shown to cause cardiomyopathy (PMID: 23975875). In summary, the available evidence is currently insufficient to determine the role of this variant in disease. Therefore, it has been classified as a Variant of Uncertain Significance.

Literature cited by the submitters: PubMed 25589632; PubMed 23975875.